The following is an entry in ClinVar:

NM_177438.3(DICER1):c.106G>A (p.Ala36Thr)

Gene: DICER1 (dicer 1, ribonuclease III; minus strand). Cytogenetic location: 14q32.13.
Variant type: single nucleotide variant.
Coding change: c.106G>A on transcript NM_177438.3 (MANE Select); coding-DNA position 106, G replaced by A.
Protein change: p.Ala36Thr; replaces alanine 36 with threonine.
Molecular consequence: missense variant.
Genome position (GRCh38, 1-based): chr14:95,133,353, C>T on the plus strand (G>A on the coding strand, the complement: DICER1 is on the minus strand). VCF-style: chr14-95133353-C-T. GRCh37 (hg19) VCF-style: chr14-95599690-C-T.
Other names: c.106G>A, p.Ala36Thr (NM_001195573.1, NM_001271282.3, NM_001291628.2 and 1 more transcripts); short protein forms A36T.
Identifiers: ClinVar variation 1470667 (VCV001470667.11), dbSNP rs2140295543, ClinGen allele CA390890460.

ClinVar aggregate classification (germline): Uncertain significance. Review status: criteria provided, multiple submitters, no conflicts (2 of 4 stars). 2 submissions from 2 submitters: Uncertain significance (2). Last evaluated 2023-03-16.

Conditions:
DICER1-related tumor predisposition. Also called: DICER1-related pleuropulmonary blastoma cancer predisposition syndrome; DICER1 syndrome. Identifiers: Orphanet 284343, MedGen C3839822, MONDO:0100216.
Hereditary cancer-predisposing syndrome. Also called: Neoplastic Syndromes, Hereditary; Hereditary Cancer Syndrome; Tumor predisposition; Hereditary neoplastic syndrome. Identifiers: Orphanet 140162, MedGen C0027672, MeSH D009386, MONDO:0015356.

Submissions (2):

Labcorp Genetics (formerly Invitae), Labcorp
Classification: Uncertain significance for DICER1-related tumor predisposition. Last evaluated: 2023-03-16. Review status: criteria provided, single submitter. Criteria: Invitae Variant Classification Sherloc (09022015). Collection method: clinical testing. Allele origin: germline.
Comment: In summary, the available evidence is currently insufficient to determine the role of this variant in disease. Therefore, it has been classified as a Variant of Uncertain Significance. An algorithm developed to predict the effect of missense changes on protein structure and function (PolyPhen-2) suggests that this variant is likely to be disruptive. ClinVar contains an entry for this variant (Variation ID: 1470667). This variant has not been reported in the literature in individuals affected with DICER1-related conditions. This variant is not present in population databases (gnomAD no frequency). This sequence change replaces alanine, which is neutral and non-polar, with threonine, which is neutral and polar, at codon 36 of the DICER1 protein (p.Ala36Thr).

Ambry Genetics
Classification: Uncertain significance for Hereditary cancer-predisposing syndrome. Last evaluated: 2020-06-26. Review status: criteria provided, single submitter. Criteria: Ambry Variant Classification Scheme 2023. Collection method: clinical testing. Allele origin: germline.
Comment: The p.A36T variant (also known as c.106G>A), located in coding exon 1 of the DICER1 gene, results from a G to A substitution at nucleotide position 106. The alanine at codon 36 is replaced by threonine, an amino acid with similar properties. This amino acid position is highly conserved in available vertebrate species. In addition, the in silico prediction for this alteration is inconclusive. Since supporting evidence is limited at this time, the clinical significance of this alteration remains unclear.